The following is an entry in ClinVar:

ClinVar aggregate classification (germline): Benign (1 of 4 stars; one submission).

Conditions:
Familial colorectal cancer type X. Identifiers: Orphanet 440437, MedGen C3896578, MONDO:0018604.

Submission:

Myriad Genetics, Inc.
Classification: Benign for Familial colorectal cancer type X. Last evaluated: 2026-08-03. Review status: criteria provided, single submitter. Criteria: Myriad Autosomal Dominant, Autosomal Recessive and X-Linked Classification Criteria (2023). Collection method: clinical testing. Allele origin: unknown.
Comment: This variant is considered benign. This variant is intronic and is not expected to impact mRNA splicing. This variant has been observed at a population frequency that is significantly greater than expected given the associated disease prevalence and penetrance.

NM_001023.4(RPS20):c.4-23_4-19delinsTTTTC

Gene: RPS20 (ribosomal protein S20; minus strand). Cytogenetic location: 8q12.1.
Variant type: Indel.
Coding change: c.4-23_4-19delinsTTTTC on transcript NM_001023.4 (MANE Select); 23 bases into the intron before coding-DNA position 4 through 19 bases into the intron before coding-DNA position 4, CTTTT replaced by TTTTC.
Molecular consequence: intron variant.
Genome position (GRCh38, 1-based): chr8:56,074,178-56,074,182, AAAAG replaced by GAAAA on the plus strand (CTTTT replaced by TTTTC on the coding strand, the reverse complement: RPS20 is on the minus strand). VCF-style: chr8-56074178-AAAAG-GAAAA. GRCh37 (hg19) VCF-style: chr8-56986737-AAAAG-GAAAA.
Other names: c.4-23_4-19delinsTTTTC (NM_001146227.3).
Identifiers: ClinVar variation 5042340 (VCV005042340.1).
Genomic context (GRCh38, chr8:56,074,178, plus strand): 5'-CACCTCCGGCTCCACGGGTGTTTTTCCGGTATCCTTAAAAGCCTATTATTAGATACATGA[AAAAG>GAAAA]AACAATAAGCCAAAAATGGTCTGCCACTTCTGGAGAAAGGCAGCTTCCGGAAGCTTCCCG-3'